The following is an entry in ClinVar:

ClinVar aggregate classification (germline): Pathogenic/Likely pathogenic. Review status: criteria provided, multiple submitters, no conflicts (2 of 4 stars). 3 submissions from 3 submitters: Pathogenic (1); Likely pathogenic (1). 1 of the submissions does not count toward it. Last evaluated 2025-12-10.

Conditions:
Proteinuria, chronic benign. Identifiers: MedGen C5394384, MONDO:0030042, OMIM 618884.
Imerslund-Grasbeck syndrome type 1 (IGS1). Also called: MEGALOBLASTIC ANEMIA, 1; Imerslund-Gräsbeck syndrome 1; Megaloblastic anemia 1, Finnish type. Identifiers: MedGen C4016819, MONDO:0100156, OMIM 261100.
Imerslund-Grasbeck syndrome. Also called: ENTEROCYTE COBALAMIN MALABSORPTION; ENTEROCYTE INTRINSIC FACTOR RECEPTOR, DEFECT OF; PERNICIOUS ANEMIA, JUVENILE, DUE TO SELECTIVE INTESTINAL MALABSORPTION OF VITAMIN B12, WITH PROTEINURIA; Megaloblastic anemia due to inborn errors of metabolism; Imerslund-Gräsbeck syndrome. Identifiers: Orphanet 35858, MedGen C4551825, MONDO:0009853.

Allele frequency attached by ClinVar (database versions not stated): gnomAD 0.00001; gnomAD exomes below 0.00001; TOPMed below 0.00001.

Submissions (3):

Labcorp Genetics (formerly Invitae), Labcorp
Classification: Pathogenic for Imerslund-Grasbeck syndrome. Last evaluated: 2025-12-10. Review status: criteria provided, single submitter. Criteria: Invitae Variant Classification Sherloc (09022015). Collection method: clinical testing. Allele origin: germline.
Comment: This sequence change creates a premature translational stop signal (p.Tyr1032*) in the CUBN gene. It is expected to result in an absent or disrupted protein product. Loss-of-function variants in CUBN are known to be pathogenic (PMID: 15024727, 22929189, 25349199, 31613795, 34979989). This variant is not present in population databases (gnomAD no frequency). This premature translational stop signal has been observed in individual(s) with clinical features of CUBN-related conditions (PMID: 22929189). ClinVar contains an entry for this variant (Variation ID: 56334). For these reasons, this variant has been classified as Pathogenic.

Fulgent Genetics
Classification: Likely pathogenic for Imerslund-Grasbeck syndrome type 1; Proteinuria, chronic benign. Last evaluated: 2021-11-11. Review status: criteria provided, single submitter. Criteria: ACMG Guidelines, 2015. Collection method: clinical testing. Allele origin: unknown.

Juha Muilu Group; Institute for Molecular Medicine Finland (FIMM)
Classification: Likely pathogenic for Megaloblastic anemia due to inborn errors of metabolism. Review status: no assertion criteria provided. Collection method: not provided. Allele origin: unknown. Not counted in ClinVar's aggregate classification.
Comment: FinDis database variant: This variant was not found or characterized by our laboratory, data were collected from public sources: see reference
ClinVar note: Converted during submission from probable-pathogenic to Likely pathogenic.

Literature cited by the submitters: PubMed 15024727 (cited by Labcorp Genetics (formerly Invitae), Labcorp); PubMed 22929189 (cited by Labcorp Genetics (formerly Invitae), Labcorp); PubMed 25349199 (cited by Labcorp Genetics (formerly Invitae), Labcorp); PubMed 31613795 (cited by Labcorp Genetics (formerly Invitae), Labcorp); PubMed 34979989 (cited by Labcorp Genetics (formerly Invitae), Labcorp).

NM_001081.4(CUBN):c.3096del (p.Ala1031_Tyr1032insTer)

Gene: CUBN (cubilin; minus strand). Cytogenetic location: 10p13.
Variant type: Deletion.
Coding change: c.3096del on transcript NM_001081.4 (MANE Select); coding-DNA position 3096, one base deleted (T; older notation c.3096delT).
Protein change: p.Ala1031_Tyr1032insTer.
Molecular consequence: nonsense.
Genome position (GRCh38, 1-based): chr10:17,065,551, A deleted on the plus strand (T on the coding strand, the reverse complement: CUBN is on the minus strand). VCF-style (leftmost placement, unchanged base first): chr10-17065550-CA-C. GRCh37 (hg19) VCF-style: chr10-17107549-CA-C.
Other names: c.3096delT (NM_001081.3).
Identifiers: ClinVar variation 56334 (VCV000056334.4), dbSNP rs386833781, ClinGen allele CA144280.
Genomic context (GRCh38, chr10:17,065,550, plus strand): 5'-GCAATGCTGTTTTGTTACCTGTTGCTGCACTGATTGCTTCATAGTTTATTAAGAAGCCTT[CA>C]TAAGCGAGGTCGGAGTCAGTCACAAACACCAGCATCAATGAGTTACCACTGCTTGTGAGA-3'